The following is an entry in ClinVar:

ClinVar aggregate classification (germline): Conflicting classifications of pathogenicity. Review status: criteria provided, conflicting classifications (1 of 4 stars). 2 submissions from 2 submitters: Uncertain significance (1); Likely benign (1). Last evaluated 2025-09-26.

Conditions:
Heterotopia, periventricular, X-linked dominant (PVNH1). Also called: PERIVENTRICULAR NODULAR HETEROTOPIA 1; X-linked periventricular heterotopia; PERIVENTRICULAR NODULAR HETEROTOPIA 4; HETEROTOPIA, PERIVENTRICULAR, 1. Identifiers: Orphanet 2149, Orphanet 82004, MedGen C1848213, MONDO:0010233, OMIM 300049.
Oto-palato-digital syndrome, type II (OPD2). Also called: FACIOPALATOOSSEOUS SYNDROME; OPD II SYNDROME; Otopalatodigital Syndrome Type 2 (FLNA-OPD2); Otopalatodigital Syndrome, Type II. Identifiers: Orphanet 669, Orphanet 90652, MedGen C1844696, MONDO:0010571, OMIM 304120.
Frontometaphyseal dysplasia (FMD1). Identifiers: Orphanet 1826, MedGen C0265293, MONDO:0015942.
Melnick-Needles syndrome (MNS). Also called: MELNICK-NEEDLES OSTEODYSPLASTY; OSTEODYSPLASTY OF MELNICK AND NEEDLES; Melnick-Needles Syndrome (FLNA-MNS). Identifiers: Orphanet 2484, MedGen C0025237, MONDO:0010650, OMIM 309350.

Allele frequency attached by ClinVar (database versions not stated): gnomAD 0.00001; gnomAD exomes 0.00001.

Submissions (2):

Labcorp Genetics (formerly Invitae), Labcorp
Classification: Likely benign for Oto-palato-digital syndrome, type II; Heterotopia, periventricular, X-linked dominant; Frontometaphyseal dysplasia; Melnick-Needles syndrome. Last evaluated: 2025-09-26. Review status: criteria provided, single submitter. Criteria: Invitae Variant Classification Sherloc (09022015). Collection method: clinical testing. Allele origin: germline.

GeneDx
Classification: Uncertain significance. Last evaluated: 2022-05-03. Review status: criteria provided, single submitter. Criteria: GeneDx Variant Classification Process June 2021. Collection method: clinical testing. Allele origin: germline. Affected: yes.
Comment: In silico analysis supports that this missense variant does not alter protein structure/function; This variant is associated with the following publications: (PMID: 34426522, 30029678)

NM_001110556.2(FLNA):c.1111G>A (p.Glu371Lys)

Gene: FLNA (filamin A; minus strand). Cytogenetic location: Xq28.
Variant type: single nucleotide variant.
Coding change: c.1111G>A on transcript NM_001110556.2 (MANE Select); coding-DNA position 1111, G replaced by A.
Protein change: p.Glu371Lys; replaces glutamic acid 371 with lysine.
Molecular consequence: missense variant.
Genome position (GRCh38, 1-based): chrX:154,366,425, C>T on the plus strand (G>A on the coding strand, the complement: FLNA is on the minus strand). VCF-style: chrX-154366425-C-T. GRCh37 (hg19) VCF-style: chrX-153594793-C-T.
Other names: c.1111G>A, p.Glu371Lys (NM_001456.4); short protein forms E371K.
Identifiers: ClinVar variation 1684049 (VCV001684049.7), dbSNP rs1557179279, ClinGen allele CA415246627.